The following is an entry in ClinVar:

ClinVar aggregate classification (germline): Uncertain significance. Review status: criteria provided, multiple submitters, no conflicts (2 of 4 stars). 3 submissions from 3 submitters: Uncertain significance (3). Last evaluated 2025-05-29.

Conditions:
Combined immunodeficiency due to LRBA deficiency. Also called: Common variable immunodeficiency 8, with autoimmunity. Identifiers: Orphanet 445018, MedGen C3553512, MONDO:0013863, OMIM 614700.
Inborn genetic diseases. Identifiers: MedGen C0950123, MeSH D030342.

Allele frequency attached by ClinVar (database versions not stated): gnomAD 0.00003; gnomAD exomes 0.00004 and 0.00011; TOPMed 0.00002; ExAC 0.00003.
gnomAD v4.1: 155 of 1,613,788 alleles (0.0096%); highest among the groups gnomAD compares: Non-Finnish European, 0.013%; no homozygotes.

Submissions (3):

ARUP Laboratories, Molecular Genetics and Genomics, ARUP Laboratories
Classification: Uncertain significance for Combined immunodeficiency due to LRBA deficiency. Last evaluated: 2025-05-29. Review status: criteria provided, single submitter. Criteria: ARUP Molecular Germline Variant Investigation Process 2024. Collection method: clinical testing. Allele origin: germline.
Comment: The LRBA c.2980A>G; p.Ser994Gly variant (rs773468487), to our knowledge, is not reported in the medical literature but is reported in ClinVar (Variation ID: 852250). This variant is found in the general population with an overall allele frequency of 0.004% (11/281,846 alleles) in the Genome Aggregation Database (v2.1.1). Computational analyses predict that this variant is neutral (REVEL: 0.058). However, given the lack of clinical and functional data, the significance of this variant is uncertain at this time.

Ambry Genetics
Classification: Uncertain significance for Inborn genetic diseases. Last evaluated: 2025-01-17. Review status: criteria provided, single submitter. Criteria: Ambry Variant Classification Scheme 2023. Collection method: clinical testing. Allele origin: germline.

Labcorp Genetics (formerly Invitae), Labcorp
Classification: Uncertain significance for Combined immunodeficiency due to LRBA deficiency. Last evaluated: 2023-12-07. Review status: criteria provided, single submitter. Criteria: Invitae Variant Classification Sherloc (09022015). Collection method: clinical testing. Allele origin: germline.
Comment: This sequence change replaces serine, which is neutral and polar, with glycine, which is neutral and non-polar, at codon 994 of the LRBA protein (p.Ser994Gly). This variant is present in population databases (rs773468487, gnomAD 0.006%). This variant has not been reported in the literature in individuals affected with LRBA-related conditions. ClinVar contains an entry for this variant (Variation ID: 852250). Advanced modeling of protein sequence and biophysical properties (such as structural, functional, and spatial information, amino acid conservation, physicochemical variation, residue mobility, and thermodynamic stability) performed at Invitae indicates that this missense variant is not expected to disrupt LRBA protein function with a negative predictive value of 80%. In summary, the available evidence is currently insufficient to determine the role of this variant in disease. Therefore, it has been classified as a Variant of Uncertain Significance.

NM_001364905.1(LRBA):c.2980A>G (p.Ser994Gly)

Gene: LRBA (LPS responsive beige-like anchor protein; minus strand). Cytogenetic location: 4q31.3.
Variant type: single nucleotide variant.
Coding change: c.2980A>G on transcript NM_001364905.1 (MANE Select); coding-DNA position 2980, A replaced by G.
Protein change: p.Ser994Gly; replaces serine 994 with glycine.
Molecular consequence: missense variant.
Genome position (GRCh38, 1-based): chr4:150,852,730, T>C on the plus strand (A>G on the coding strand, the complement: LRBA is on the minus strand). VCF-style: chr4-150852730-T-C. GRCh37 (hg19) VCF-style: chr4-151773882-T-C.
Other names: c.2980A>G, p.Ser994Gly (NM_001199282.3, NM_001367550.1, NM_006726.5); short protein forms S994G.
Identifiers: ClinVar variation 852250 (VCV000852250.8), dbSNP rs773468487, ClinGen allele CA3103116.